The following is an entry in ClinVar:

NM_004360.5(CDH1):c.2496G>C (p.Val832=)

Gene: CDH1 (cadherin 1; plus strand). Cytogenetic location: 16q22.1.
Variant type: single nucleotide variant.
Coding change: c.2496G>C on transcript NM_004360.5 (MANE Select); coding-DNA position 2496, G replaced by C.
Protein change: p.Val832=; no amino-acid change (valine 832 retained).
Molecular consequence: synonymous variant.
Genome position (GRCh38, 1-based): chr16:68,833,346, G>C. VCF-style: chr16-68833346-G-C. GRCh37 (hg19) VCF-style: chr16-68867249-G-C.
Other names: c.2313G>C, p.Val771= (NM_001317184.2); c.948G>C, p.Val316= (NM_001317185.2); c.531G>C, p.Val177= (NM_001317186.2).
Identifiers: ClinVar variation 1631141 (VCV001631141.11), dbSNP rs2152143935, ClinGen allele CA496393073.

ClinVar aggregate classification (germline): Conflicting classifications of pathogenicity. Review status: criteria provided, conflicting classifications (1 of 4 stars). 3 submissions from 3 submitters: Uncertain significance (1); Benign (1); Likely benign (1). Last evaluated 2024-09-24.

Conditions:
Hereditary cancer-predisposing syndrome. Also called: Hereditary Cancer Syndrome; Tumor predisposition; Neoplastic Syndromes, Hereditary; Hereditary neoplastic syndrome. Identifiers: Orphanet 140162, MedGen C0027672, MeSH D009386, MONDO:0015356.
Hereditary diffuse gastric adenocarcinoma (HDGC). Also called: DIFFUSE GASTRIC AND LOBULAR BREAST CANCER SYNDROME. Identifiers: Orphanet 26106, MedGen C1708349, MONDO:0007648, OMIM 137215.

Submissions (3):

Myriad Genetics, Inc.
Classification: Benign for Hereditary diffuse gastric adenocarcinoma. Last evaluated: 2024-09-24. Review status: criteria provided, single submitter. Criteria: Myriad Autosomal Dominant, Autosomal Recessive and X-Linked Classification Criteria (2023). Collection method: clinical testing. Allele origin: unknown.
Comment: This variant is considered benign. This variant is a silent/synonymous amino acid change and it is not expected to impact splicing.

Color Diagnostics, LLC DBA Color Health
Classification: Uncertain significance for Hereditary cancer-predisposing syndrome. Last evaluated: 2023-07-17. Review status: criteria provided, single submitter. Criteria: ACMG Guidelines, 2015. Collection method: clinical testing. Allele origin: germline.
Comment: This variant is located in the CDH1 protein. To our knowledge, functional studies have not been reported for this variant. This variant has not been reported in individuals affected with CDH1-related disorders in the literature. This variant has not been identified in the general population by the Genome Aggregation Database (gnomAD). The available evidence is insufficient to determine the role of this variant in disease conclusively. Therefore, this variant is classified as a Variant of Uncertain Significance.

Labcorp Genetics (formerly Invitae), Labcorp
Classification: Likely benign for Hereditary diffuse gastric adenocarcinoma. Last evaluated: 2021-02-03. Review status: criteria provided, single submitter. Criteria: Invitae Variant Classification Sherloc (09022015). Collection method: clinical testing. Allele origin: germline.